The following is an entry in ClinVar:

ClinVar aggregate classification (germline): Conflicting classifications of pathogenicity. Review status: criteria provided, conflicting classifications (1 of 4 stars). 3 submissions from 3 submitters: Likely pathogenic (2); Uncertain significance (1). Last evaluated 2025-11-11.

Conditions:
Wilson disease (WND). Also called: Wilson's disease. Identifiers: Orphanet 905, MedGen C0019202, MONDO:0010200, OMIM 277900. Disease mechanism: loss of function.

Submissions (3):

Labcorp Genetics (formerly Invitae), Labcorp
Classification: Likely pathogenic for Wilson disease. Last evaluated: 2025-11-11. Review status: criteria provided, single submitter. Criteria: Invitae Variant Classification Sherloc (09022015). Collection method: clinical testing. Allele origin: germline.
Comment: This sequence change replaces lysine, which is basic and polar, with glutamine, which is neutral and polar, at codon 1374 of the ATP7B protein (p.Lys1374Gln). This variant is not present in population databases (gnomAD no frequency). This missense change has been observed in individual(s) with clinical features of Wilson disease (internal data). In at least one individual the data is consistent with being in trans (on the opposite chromosome) from a pathogenic variant. It has also been observed to segregate with disease in related individuals. ClinVar contains an entry for this variant (Variation ID: 3387274). Invitae Evidence Modeling of protein sequence and biophysical properties (such as structural, functional, and spatial information, amino acid conservation, physicochemical variation, residue mobility, and thermodynamic stability) indicates that this missense variant is not expected to disrupt ATP7B protein function with a negative predictive value of 80%. In summary, the currently available evidence indicates that the variant is pathogenic, but additional data are needed to prove that conclusively. Therefore, this variant has been classified as Likely Pathogenic.

Molecular Diagnostics Laboratory, M Health Fairview: University of Minnesota
Classification: Likely pathogenic for Wilson disease. Last evaluated: 2025-02-19. Review status: criteria provided, single submitter. Criteria: ACMG Guidelines, 2015. Collection method: clinical testing. Allele origin: germline. Affected: yes.

All of Us Research Program, National Institutes of Health
Classification: Uncertain significance for Wilson disease. Last evaluated: 2024-04-25. Review status: criteria provided, single submitter. Criteria: ACMG Guidelines, 2015. Collection method: clinical testing. Allele origin: germline. Inheritance: Autosomal recessive inheritance. Observed: 1 variant allele, 1 heterozygote.
Comment: This missense variant replaces lysine with glutamine at codon 1374 of the ATP7B protein. Computational prediction suggests that this variant may have deleterious impact on protein structure and function (internally defined REVEL score threshold >= 0.7, PMID: 27666373). To our knowledge, functional studies have not been reported for this variant. This variant has not been reported in individuals affected with ATP7B-related disorders in the literature. This variant has not been identified in the general population by the Genome Aggregation Database (gnomAD). The available evidence is insufficient to determine the role of this variant in disease conclusively. Therefore, this variant is classified as a Variant of Uncertain Significance.

This study involves interpretation of variants in research participants for the purpose of population health screening. Participant phenotype was not available at the time of variant classification. Additional details can be found in publication PMID: 35346344, PMCID: PMC8962531

NM_000053.4(ATP7B):c.4120A>C (p.Lys1374Gln)

Gene: ATP7B (ATPase copper transporting beta; minus strand). Cytogenetic location: 13q14.3.
Variant type: single nucleotide variant.
Coding change: c.4120A>C on transcript NM_000053.4 (MANE Select); coding-DNA position 4120, A replaced by C.
Protein change: p.Lys1374Gln; replaces lysine 1374 with glutamine.
Molecular consequence: missense variant.
Genome position (GRCh38, 1-based): chr13:51,935,597, T>G on the plus strand (A>C on the coding strand, the complement: ATP7B is on the minus strand). VCF-style: chr13-51935597-T-G. GRCh37 (hg19) VCF-style: chr13-52509733-T-G.
Other names: p.Lys1374Gln; c.3499A>C, p.Lys1167Gln (NM_001005918.3); c.3787A>C, p.Lys1263Gln (NM_001243182.2); c.3886A>C, p.Lys1296Gln (NM_001330578.2, NM_001406527.1, NM_001406528.1); c.3868A>C, p.Lys1290Gln (NM_001330579.2, NM_001406531.1, NM_001406532.1); c.4120A>C, p.Lys1374Gln (NM_001406511.1, NM_001406512.1); c.4114A>C, p.Lys1372Gln (NM_001406513.1); c.4087A>C, p.Lys1363Gln (NM_001406514.1); and 22 more; short protein forms K1093Q, K1147Q, K1158Q, K1167Q, K1180Q, K1210Q, K1212Q, K1225Q.
Identifiers: ClinVar variation 3387274 (VCV003387274.3).